The following is an entry in ClinVar:

ClinVar aggregate classification (germline): Benign. Review status: criteria provided, multiple submitters, no conflicts (2 of 4 stars). 2 submissions from 2 submitters: Benign (2). Last evaluated 2018-06-19.

Allele frequency attached by ClinVar (database versions not stated): 1000 Genomes Project 30x 0.02327; 1000 Genomes Project 0.02416; TOPMed 0.04347; gnomAD 0.05110 and 0.05296.
gnomAD v4.1: 7,767 of 152,114 alleles (5.1%); highest among the groups gnomAD compares: Non-Finnish European, 7.4%; 312 homozygotes.

Submissions (2):

GeneDx
Classification: Benign. Last evaluated: 2018-06-19. Review status: criteria provided, single submitter. Criteria: GeneDx Variant Classification (06012015). Collection method: clinical testing. Allele origin: germline. Affected: yes.
Comment: This variant is considered likely benign or benign based on one or more of the following criteria: it is a conservative change, it occurs at a poorly conserved position in the protein, it is predicted to be benign by multiple in silico algorithms, and/or has population frequency not consistent with disease.

Breakthrough Genomics
Classification: Benign. Review status: criteria provided, single submitter. Criteria: ACMG Guidelines, 2015. Collection method: not provided. Allele origin: germline. Inheritance: Autosomal dominant inheritance. Affected: yes.

NM_004519.4(KCNQ3):c.1044+156A>G

Gene: KCNQ3 (potassium voltage-gated channel subfamily Q member 3; minus strand). Cytogenetic location: 8q24.22.
Variant type: single nucleotide variant.
Coding change: c.1044+156A>G on transcript NM_004519.4 (MANE Select); 156 bases into the intron after coding-DNA position 1044, A replaced by G.
Molecular consequence: intron variant.
Genome position (GRCh38, 1-based): chr8:132,174,083, T>C on the plus strand (A>G on the coding strand, the complement: KCNQ3 is on the minus strand). VCF-style: chr8-132174083-T-C. GRCh37 (hg19) VCF-style: chr8-133186330-T-C.
Other names: c.684+156A>G (NM_001204824.2).
Identifiers: ClinVar variation 682092 (VCV000682092.2), dbSNP rs62519574, ClinGen allele CA15580586.
Genomic context (GRCh38, chr8:132,174,083, plus strand): 5'-CAGCATTGAAAGAGGAGTTGATGTGTGAAGAAATCTTTGGCAAAGGAAAGCAGCAGGGCC[T>C]GTGGCAAAAAGGCAGGATCATCATGCTTAAGGGAATGGCTAGGGAGTTGGTAGGGTATAA-3'